The following is an entry in ClinVar:

NM_014797.3(ZBTB24):c.1046C>T (p.Pro349Leu)

Gene: ZBTB24 (zinc finger and BTB domain containing 24; minus strand). Cytogenetic location: 6q21.
Variant type: single nucleotide variant.
Coding change: c.1046C>T on transcript NM_014797.3 (MANE Select); coding-DNA position 1046, C replaced by T.
Protein change: p.Pro349Leu; replaces proline 349 with leucine.
Molecular consequence: missense variant.
Genome position (GRCh38, 1-based): chr6:109,476,837, G>A on the plus strand (C>T on the coding strand, the complement: ZBTB24 is on the minus strand). VCF-style: chr6-109476837-G-A. GRCh37 (hg19) VCF-style: chr6-109798040-G-A.
Other names: short protein forms P349L.
Identifiers: ClinVar variation 860921 (VCV000860921.8), dbSNP rs377688410, ClinGen allele CA3954204.

ClinVar aggregate classification (germline): Uncertain significance (1 of 4 stars; one submission).

Conditions:
Immunodeficiency-centromeric instability-facial anomalies syndrome 2 (ICF2). Identifiers: Orphanet 2268, MedGen C3279748, MONDO:0013553, OMIM 614069.

Allele frequency attached by ClinVar (database versions not stated): ExAC 0.00001; gnomAD 0.00001 and 0.00002; TOPMed 0.00002; 1000 Genomes Project 30x 0.00016; 1000 Genomes Project 0.00020; gnomAD exomes 0.00002 and 0.00001; ESP Exome Variant Server 0.00008.
gnomAD v4.1: 28 of 1,614,160 alleles (0.0017%); highest among the groups gnomAD compares: South Asian, 0.0044%; no homozygotes.

Submission:

Labcorp Genetics (formerly Invitae), Labcorp
Classification: Uncertain significance for Immunodeficiency-centromeric instability-facial anomalies syndrome 2. Last evaluated: 2022-10-13. Review status: criteria provided, single submitter. Criteria: Invitae Variant Classification Sherloc (09022015). Collection method: clinical testing. Allele origin: germline.
Comment: This sequence change replaces proline, which is neutral and non-polar, with leucine, which is neutral and non-polar, at codon 349 of the ZBTB24 protein (p.Pro349Leu). In summary, the available evidence is currently insufficient to determine the role of this variant in disease. Therefore, it has been classified as a Variant of Uncertain Significance. Algorithms developed to predict the effect of missense changes on protein structure and function are either unavailable or do not agree on the potential impact of this missense change (SIFT: "Not Available"; PolyPhen-2: "Probably Damaging"; Align-GVGD: "Not Available"). ClinVar contains an entry for this variant (Variation ID: 860921). This variant has not been reported in the literature in individuals affected with ZBTB24-related conditions. This variant is present in population databases (rs377688410, gnomAD 0.003%).